The following is an entry in ClinVar:

ClinVar aggregate classification (germline): Likely pathogenic. Review status: criteria provided, single submitter (1 of 4 stars). 3 submissions from 3 submitters: Likely pathogenic (1). 2 of the submissions do not count toward it. Last evaluated 2019-02-27.

Conditions:
Encephalopathy. Also called: Unspecified encephalopathy. Identifiers: MedGen C0085584, HP:0001298.
IL10-related early-onset inflammatory bowel disease. Also called: Immune dysregulation-inflammatory bowel disease-arthritis-recurrent infections syndrome; Autosomal recessive early-onset inflammatory bowel disease. Identifiers: Orphanet 238569, MedGen C4749850, MONDO:0016542.
Inflammatory bowel disease, immunodeficiency, and encephalopathy. Identifiers: Orphanet 565788, MedGen C4748708, MONDO:0032601, OMIM 618213.

Submissions (3):

SIB Swiss Institute of Bioinformatics
Classification: Likely pathogenic for Inflammatory bowel disease, immunodeficiency, and encephalopathy. Last evaluated: 2019-02-27. Review status: criteria provided, single submitter. Criteria: ACMG Guidelines, 2015. Collection method: curation. Allele origin: unknown.
Comment: This variant is interpreted as a Likely pathogenic for Inflammatory bowel disease, immunodeficiency, and encephalopathy, autosomal recessive. The following ACMG Tag(s) were applied: PM2: Absent from controls (or at extremely low frequency if recessive) in Exome Sequencing Project, 1000 Genomes Project, or Exome Aggregation Consortium. PP3 : Multiple lines of computational evidence support a deleterious effect on the gene or gene product. PM1 : Located in a mutational hot spot and/or critical and well-established functional domain (e.g., active site of an enzyme) without benign variation. The variant destroys disulfide bond between Cys322 and Cys387 (see UniProt P01137). PS3 : Well-established functional studies show a deleterious effect (PMID:29483653).

OMIM
Classification: Pathogenic for INFLAMMATORY BOWEL DISEASE, IMMUNODEFICIENCY, AND ENCEPHALOPATHY. Last evaluated: 2018-12-04. Review status: no assertion criteria provided. Collection method: literature only. Allele origin: germline. Not counted in ClinVar's aggregate classification.

Klein lab, Ludwig-Maximilians-University
Classification: Pathogenic for IL10-related early-onset inflammatory bowel disease; Encephalopathy. Last evaluated: 2017-01-01. Review status: no assertion criteria provided. Collection method: research. Allele origin: germline. Inheritance: Autosomal recessive inheritance. Affected: yes. Observed: 1 variant allele, 1 compound heterozygote. Not counted in ClinVar's aggregate classification.
Comment: Variant is associated with primary immunodeficiency, inflammatory bowel disease and encephalopathy. Variant was found in compound heterozygosity with another variant in TGFB1 (c.328C>T).

Literature cited by the submitters: PubMed 29483653 (cited by SIB Swiss Institute of Bioinformatics and OMIM).

NM_000660.7(TGFB1):c.1159T>C (p.Cys387Arg)

Gene: TGFB1 (transforming growth factor beta 1; minus strand). Cytogenetic location: 19q13.2.
Variant type: single nucleotide variant.
Coding change: c.1159T>C on transcript NM_000660.7 (MANE Select); coding-DNA position 1159, T replaced by C.
Protein change: p.Cys387Arg; replaces cysteine 387 with arginine.
Molecular consequence: missense variant.
Genome position (GRCh38, 1-based): chr19:41,331,066, A>G on the plus strand (T>C on the coding strand, the complement: TGFB1 is on the minus strand). VCF-style: chr19-41331066-A-G. GRCh37 (hg19) VCF-style: chr19-41836971-A-G.
Other names: short protein forms C387R.
Identifiers: ClinVar variation 488346 (VCV000488346.5), dbSNP rs1336387628, ClinGen allele CA405997642.